The following is an entry in ClinVar:

ClinVar aggregate classification (germline): Uncertain significance (1 of 4 stars; one submission).

Conditions:
Cerebral folate transport deficiency. Also called: FOLR1-Related Cerebral Folate Transport Deficiency; Neurodegenerative syndrome due to cerebral folate transport deficiency; FOLATE RECEPTOR DEFICIENCY; NEURODEGENERATION DUE TO CEREBRAL FOLATE TRANSPORT DEFICIENCY; Cerebral folate deficiency syndrome. Identifiers: Orphanet 217382, MedGen C2751584, MONDO:0013110, OMIM 613068. Disease mechanism: loss of function.

Allele frequency attached by ClinVar (database versions not stated): gnomAD exomes below 0.00001.
gnomAD v4.1: 1 of 1,614,172 alleles (0.000062%); highest among the groups gnomAD compares: Non-Finnish European, 0.000085%; no homozygotes.

Submission:

Labcorp Genetics (formerly Invitae), Labcorp
Classification: Uncertain significance for Cerebral folate transport deficiency. Last evaluated: 2023-11-27. Review status: criteria provided, single submitter. Criteria: Invitae Variant Classification Sherloc (09022015). Collection method: clinical testing. Allele origin: germline.
Comment: This sequence change replaces glutamic acid, which is acidic and polar, with valine, which is neutral and non-polar, at codon 140 of the FOLR1 protein (p.Glu140Val). This variant is not present in population databases (gnomAD no frequency). This variant has not been reported in the literature in individuals affected with FOLR1-related conditions. ClinVar contains an entry for this variant (Variation ID: 1354610). Advanced modeling of protein sequence and biophysical properties (such as structural, functional, and spatial information, amino acid conservation, physicochemical variation, residue mobility, and thermodynamic stability) performed at Invitae indicates that this missense variant is not expected to disrupt FOLR1 protein function with a negative predictive value of 80%. In summary, the available evidence is currently insufficient to determine the role of this variant in disease. Therefore, it has been classified as a Variant of Uncertain Significance.

NM_016729.3(FOLR1):c.419A>T (p.Glu140Val)

Genes: FOLR1-AS1 (FOLR1 antisense RNA 1; minus strand), FOLR1 (folate receptor alpha; plus strand). Cytogenetic location: 11q13.4.
Variant type: single nucleotide variant.
Coding change: c.419A>T on transcript NM_016729.3 (MANE Select); coding-DNA position 419, A replaced by T.
Protein change: p.Glu140Val; replaces glutamic acid 140 with valine.
Molecular consequence: missense variant.
Genome position (GRCh38, 1-based): chr11:72,195,673, A>T. VCF-style: chr11-72195673-A-T. GRCh37 (hg19) VCF-style: chr11-71906717-A-T.
Other names: c.419A>T, p.Glu140Val (NM_000802.3, NM_016724.3, NM_016725.3); short protein forms E140V.
Identifiers: ClinVar variation 1354610 (VCV001354610.8), dbSNP rs2135388722, ClinGen allele CA381733342.